The following is an entry in ClinVar:

NM_007294.4(BRCA1):c.3052A>C (p.Asn1018His)

Gene: BRCA1 (BRCA1 DNA repair associated; minus strand). Cytogenetic location: 17q21.31.
Variant type: single nucleotide variant.
Coding change: c.3052A>C on transcript NM_007294.4 (MANE Select); coding-DNA position 3052, A replaced by C.
Protein change: p.Asn1018His; replaces asparagine 1018 with histidine.
Molecular consequence: missense variant. On other transcripts: intron variant (137).
Genome position (GRCh38, 1-based): chr17:43,092,479, T>G on the plus strand (A>C on the coding strand, the complement: BRCA1 is on the minus strand). VCF-style: chr17-43092479-T-G. GRCh37 (hg19) VCF-style: chr17-41244496-T-G.
Other names: c.3052A>C, p.Asn1018His (NM_001407602.1, NM_001407603.1, NM_001407605.1 and 30 more transcripts); c.3049A>C, p.Asn1017His (NM_001407610.1, NM_001407611.1, NM_001407612.1 and 22 more transcripts); c.3043A>C, p.Asn1015His (NM_001407646.1, NM_001407647.1); c.2929A>C, p.Asn977His (NM_001407648.1, NM_001407674.1, NM_001407675.1 and 19 more transcripts); c.2926A>C, p.Asn976His (NM_001407649.1, NM_001407671.1, NM_001407672.1 and 11 more transcripts); c.2974A>C, p.Asn992His (NM_001407653.1, NM_001407654.1, NM_001407655.1 and 4 more transcripts); c.2971A>C, p.Asn991His (NM_001407659.1, NM_001407660.1, NM_001407661.1 and 1 more transcripts); c.2839A>C, p.Asn947His (NM_001407571.1, NM_001407894.1, NM_001407895.1 and 9 more transcripts); and 41 more; short protein forms N1015H, N1017H, N1018H, N722H, N977H, N929H, N970H, N890H.
Identifiers: ClinVar variation 5033168 (VCV005033168.1).

ClinVar aggregate classification (germline): Uncertain significance (1 of 4 stars; one submission).

Conditions:
Hereditary cancer-predisposing syndrome. Also called: Neoplastic Syndromes, Hereditary; Tumor predisposition; Hereditary neoplastic syndrome; Hereditary Cancer Syndrome. Identifiers: Orphanet 140162, MedGen C0027672, MeSH D009386, MONDO:0015356.

Submission:

Ambry Genetics
Classification: Uncertain significance for Hereditary cancer-predisposing syndrome. Last evaluated: 2026-06-25. Review status: criteria provided, single submitter. Criteria: Ambry Variant Classification Scheme 2023. Collection method: clinical testing. Allele origin: germline.
Comment: The p.N1018H variant (also known as c.3052A>C), located in coding exon 9 of the BRCA1 gene, results from an A to C substitution at nucleotide position 3052. The asparagine at codon 1018 is replaced by histidine, an amino acid with similar properties. This amino acid position is conserved. In addition, the in silico prediction for this alteration is inconclusive. Based on the available evidence, the clinical significance of this variant remains unclear.